The following is an entry in ClinVar:

ClinVar aggregate classification (germline): Uncertain significance. Review status: criteria provided, multiple submitters, no conflicts (2 of 4 stars). 2 submissions from 2 submitters: Uncertain significance (2). Last evaluated 2023-12-07.

Conditions:
Charcot-Marie-Tooth disease type 4. Also called: Charcot-Marie-Tooth disease, type IV; Charcot-Marie-Tooth, Type 4. Identifiers: Orphanet 64749, MedGen C4082197, MONDO:0018995.

Allele frequency attached by ClinVar (database versions not stated): gnomAD exomes below 0.00001.
gnomAD v4.1: 2 of 1,580,484 alleles (0.00013%); highest among the groups gnomAD compares: South Asian, 0.0012%; no homozygotes.

Submissions (2):

Greenwood Genetic Center Diagnostic Laboratories, Greenwood Genetic Center
Classification: Uncertain significance. Last evaluated: 2023-12-07. Review status: criteria provided, single submitter. Criteria: ACMG Guidelines, 2015. Collection method: clinical testing. Allele origin: germline. Affected: yes.
Comment: PM2

Labcorp Genetics (formerly Invitae), Labcorp
Classification: Uncertain significance for Charcot-Marie-Tooth disease type 4. Last evaluated: 2022-07-19. Review status: criteria provided, single submitter. Criteria: Invitae Variant Classification Sherloc (09022015). Collection method: clinical testing. Allele origin: germline.
Comment: This sequence change replaces threonine, which is neutral and polar, with serine, which is neutral and polar, at codon 3 of the FIG4 protein (p.Thr3Ser). This variant is not present in population databases (gnomAD no frequency). This variant has not been reported in the literature in individuals affected with FIG4-related conditions. Algorithms developed to predict the effect of missense changes on protein structure and function output the following: SIFT: "Tolerated"; PolyPhen-2: "Benign"; Align-GVGD: "Class C0". The serine amino acid residue is found in multiple mammalian species, which suggests that this missense change does not adversely affect protein function. In summary, the available evidence is currently insufficient to determine the role of this variant in disease. Therefore, it has been classified as a Variant of Uncertain Significance.

NM_014845.6(FIG4):c.7A>T (p.Thr3Ser)

Gene: FIG4 (FIG4 phosphoinositide 5-phosphatase; plus strand). Cytogenetic location: 6q21.
Variant type: single nucleotide variant.
Coding change: c.7A>T on transcript NM_014845.6 (MANE Select); coding-DNA position 7, A replaced by T.
Protein change: p.Thr3Ser; replaces threonine 3 with serine.
Molecular consequence: missense variant.
Genome position (GRCh38, 1-based): chr6:109,691,442, A>T. VCF-style: chr6-109691442-A-T. GRCh37 (hg19) VCF-style: chr6-110012645-A-T.
Other names: short protein forms T3S.
Identifiers: ClinVar variation 1979366 (VCV001979366.2), dbSNP rs1431021720, ClinGen allele CA365206433.